The following is an entry in ClinVar:

ClinVar aggregate classification (germline): Uncertain significance (1 of 4 stars; one submission).

Allele frequency attached by ClinVar (database versions not stated): gnomAD exomes below 0.00001 and 0.00001; TOPMed below 0.00001; ExAC 0.00001; gnomAD 0.00001.
gnomAD v4.1: 9 of 1,613,798 alleles (0.00056%); highest among the groups gnomAD compares: African/African-American, 0.0013%; no homozygotes.

Submission:

Labcorp Genetics (formerly Invitae), Labcorp
Classification: Uncertain significance. Last evaluated: 2022-03-11. Review status: criteria provided, single submitter. Criteria: Invitae Variant Classification Sherloc (09022015). Collection method: clinical testing. Allele origin: germline.
Comment: In summary, the available evidence is currently insufficient to determine the role of this variant in disease. Therefore, it has been classified as a Variant of Uncertain Significance. Algorithms developed to predict the effect of sequence changes on RNA splicing suggest that this variant may create or strengthen a splice site. Algorithms developed to predict the effect of missense changes on protein structure and function (SIFT, PolyPhen-2, Align-GVGD) all suggest that this variant is likely to be tolerated. This variant has not been reported in the literature in individuals affected with WDR1-related conditions. This variant is present in population databases (rs770417448, gnomAD 0.0009%). This sequence change replaces glycine, which is neutral and non-polar, with serine, which is neutral and polar, at codon 332 of the WDR1 protein (p.Gly332Ser).

NM_017491.5(WDR1):c.994G>A (p.Gly332Ser)

Gene: WDR1 (WD repeat domain 1; minus strand). Cytogenetic location: 4p16.1.
Variant type: single nucleotide variant.
Coding change: c.994G>A on transcript NM_017491.5 (MANE Select); coding-DNA position 994, G replaced by A.
Protein change: p.Gly332Ser; replaces glycine 332 with serine.
Molecular consequence: missense variant.
Genome position (GRCh38, 1-based): chr4:10,084,488, C>T on the plus strand (G>A on the coding strand, the complement: WDR1 is on the minus strand). VCF-style: chr4-10084488-C-T. GRCh37 (hg19) VCF-style: chr4-10086112-C-T.
Other names: c.574G>A, p.Gly192Ser (NM_005112.5); short protein forms G192S, G332S.
Identifiers: ClinVar variation 1493438 (VCV001493438.8), dbSNP rs770417448, ClinGen allele CA2857827.
Genomic context (GRCh38, chr4:10,084,488, plus strand): 5'-TGAGTCAAAGGATATTAATGTGTCCGTCGTGGCTCCCAGAGTAAATGTAGGACTTGCCGC[C>T]GTTTTTATGCACCGTCAGACACTGGATCGATTTACTGTGACCCTGTGAAGGAGACACACT-3'
Protein context (NP_059830.1, residues 322-342): SIQCLTVHKN[Gly332Ser]GKSYIYSGSH